The following is an entry in ClinVar:

NM_004174.4(SLC9A3):c.2051A>G (p.Glu684Gly)

Genes: SLC9A3 (solute carrier family 9 member A3), SLC9A3-AS1 (SLC9A3 antisense RNA 1; plus strand). Cytogenetic location: 5p15.33.
Variant type: single nucleotide variant.
Coding change: c.2051A>G on transcript NM_004174.4 (MANE Select); coding-DNA position 2051, A replaced by G.
Protein change: p.Glu684Gly; replaces glutamic acid 684 with glycine.
Molecular consequence: missense variant.
Genome position (GRCh38, 1-based): chr5:476,218, T>C on the plus strand (A>G on the coding strand, the complement: SLC9A3 is on the minus strand). VCF-style: chr5-476218-T-C. GRCh37 (hg19) VCF-style: chr5-476333-T-C.
Other names: c.2024A>G, p.Glu675Gly (NM_001284351.3); short protein forms E675G, E684G.
Identifiers: ClinVar variation 1351200 (VCV001351200.6), dbSNP rs751811859, ClinGen allele CA359024792.

ClinVar aggregate classification (germline): Uncertain significance (1 of 4 stars; one submission).

gnomAD v4.1: 2 of 1,613,708 alleles (0.00012%); no homozygotes.

Submission:

Labcorp Genetics (formerly Invitae), Labcorp
Classification: Uncertain significance. Last evaluated: 2021-05-04. Review status: criteria provided, single submitter. Criteria: Invitae Variant Classification Sherloc (09022015). Collection method: clinical testing. Allele origin: germline.
Comment: In summary, the available evidence is currently insufficient to determine the role of this variant in disease. Therefore, it has been classified as a Variant of Uncertain Significance. Algorithms developed to predict the effect of missense changes on protein structure and function are either unavailable or do not agree on the potential impact of this missense change (SIFT: "Not Available"; PolyPhen-2: "Benign"; Align-GVGD: "Not Available"). This variant has not been reported in the literature in individuals with SLC9A3-related conditions. This variant is not present in population databases (ExAC no frequency). This sequence change replaces glutamic acid with glycine at codon 684 of the SLC9A3 protein (p.Glu684Gly). The glutamic acid residue is moderately conserved and there is a moderate physicochemical difference between glutamic acid and glycine.